The following is an entry in ClinVar:

NM_000157.4(GBA1):c.533del (p.Pro178fs)

Genes: GBA1 (glucosylceramidase beta 1; minus strand), LOC106627981 (GBA recombination region; plus strand). Cytogenetic location: 1q22.
Variant type: Deletion.
Coding change: c.533del on transcript NM_000157.4 (MANE Select); coding-DNA position 533, one base deleted (C; older notation c.533delC).
Protein change: p.Pro178fs; shifts the reading frame from proline 178.
Molecular consequence: frameshift variant.
Genome position (GRCh38, 1-based): chr1:155,238,572, G deleted on the plus strand (C on the coding strand, the reverse complement: GBA1 is on the minus strand); the first of 4 consecutive G bases (chr1:155,238,572-155,238,575); deleting any one gives the same sequence. VCF-style (leftmost placement, unchanged base first): chr1-155238571-AG-A. GRCh37 (hg19) VCF-style: chr1-155208362-AG-A.
Other names: c.533delC (NM_000157.3); c.533del, p.Pro178fs (NM_001005741.3, NM_001005742.3); c.272del, p.Pro91fs (NM_001171811.2); c.386del, p.Pro129fs (NM_001171812.2); short protein forms P178fs, P129fs, P91fs.
Identifiers: ClinVar variation 4322 (VCV000004322.7), dbSNP rs397518434, ClinGen allele CA253100.
Genomic context (GRCh38, chr1:155,238,571, plus strand): 5'-GCCTACCTTGAGCTTGGTATCTTCCTCTGGGAGGCTGAAGTTGTGCAACTGGAAATCATC[AG>A]GGGTGTCTGCATAGGTGTAGGTGCGGATGGAGAAGTCACAGCTGGCCATGGGTACCCGGA-3'

ClinVar aggregate classification (germline): Pathogenic/Likely pathogenic. Review status: criteria provided, multiple submitters, no conflicts (2 of 4 stars). 3 submissions from 3 submitters: Pathogenic (1); Likely pathogenic (1). 1 of the submissions does not count toward it. Last evaluated 2025-11-10.

Conditions:
Gaucher disease. Also called: Acute cerebral Gaucher disease; Cerebroside lipidosis syndrome; Gaucher splenomegaly; Sphingolipidosis 1; Glucocerebrosidosis; Glucosylceramidase deficiency. Identifiers: Orphanet 355, MedGen C0017205, MONDO:0018150.
Gaucher disease type I (GD1). Also called: GAUCHER DISEASE, NONCEREBRAL JUVENILE; GBA DEFICIENCY; GD I; GLUCOCEREBROSIDASE DEFICIENCY; ACID BETA-GLUCOSIDASE DEFICIENCY; GD 1. Identifiers: Orphanet 355, Orphanet 77259, MedGen C1961835, MONDO:0009265, OMIM 230800.
Gaucher disease perinatal lethal. Also called: Gaucher disease collodion type; Gaucher Disease, Perinatal-Lethal Form. Identifiers: Orphanet 85212, MedGen C1842704, MONDO:0011945, OMIM 608013.

Submissions (3):

Natera, Inc.
Classification: Pathogenic for Gaucher disease. Last evaluated: 2025-11-10. Review status: criteria provided, single submitter. Criteria: Natera Variant Classification Schema (03/2026). Collection method: clinical testing. Allele origin: germline.
Comment: The c.533delC variant in GBA1 is a frameshift variant predicted to shift the reading frame beginning at codon 178 and leads to a stop codon 22 codons downstream. This variant is expected to result in nonsense mediated decay, truncation, or a dysfunctional protein product. This variant is rare in the general population with a frequency below the threshold expected for the associated phenotype(s). This variant has been observed in one or more individuals affected with the associated recessive disease, as either homozygous or compound heterozygous with a second variant (PMID: 10649495). Given the available evidence, this variant is classified as Pathogenic.

Genome-Nilou Lab
Classification: Likely pathogenic for Gaucher disease type I. Last evaluated: 2021-07-22. Review status: criteria provided, single submitter. Criteria: ACMG Guidelines, 2015. Collection method: clinical testing. Allele origin: germline. Affected: no.

OMIM
Classification: Pathogenic for GAUCHER DISEASE, PERINATAL LETHAL. Last evaluated: 2017-06-21. Review status: no assertion criteria provided. Collection method: literature only. Allele origin: germline. Not counted in ClinVar's aggregate classification.

Literature cited by the submitters: PubMed 10649495 (cited by Natera, Inc.); PubMed 8751878 (cited by OMIM).